The following is an entry in ClinVar:

NM_000465.4(BARD1):c.2095G>T (p.Gly699Trp)

Gene: BARD1 (BRCA1 associated RING domain 1; minus strand). Cytogenetic location: 2q35.
Variant type: single nucleotide variant.
Coding change: c.2095G>T on transcript NM_000465.4 (MANE Select); coding-DNA position 2095, G replaced by T.
Protein change: p.Gly699Trp; replaces glycine 699 with tryptophan.
Molecular consequence: missense variant. On other transcripts: non-coding transcript variant (3).
Genome position (GRCh38, 1-based): chr2:214,728,915, C>A on the plus strand (G>T on the coding strand, the complement: BARD1 is on the minus strand). VCF-style: chr2-214728915-C-A. GRCh37 (hg19) VCF-style: chr2-215593639-C-A.
Other names: c.685G>T, p.Gly229Trp (NM_001282548.2); c.556G>T, p.Gly186Trp (NM_001282549.2); c.2038G>T, p.Gly680Trp (NM_001282543.2); c.742G>T, p.Gly248Trp (NM_001282545.2); short protein forms G186W, G248W, G680W, G229W, G699W.
Identifiers: ClinVar variation 4731533 (VCV004731533.1).

ClinVar aggregate classification (germline): Uncertain significance (1 of 4 stars; one submission).

Conditions:
Familial cancer of breast. Also called: Hereditary breast cancer; hereditary breast carcinoma; BREAST CANCER, FAMILIAL. Identifiers: Orphanet 227535, MedGen C0346153, MONDO:0016419, OMIM 114480. Disease mechanism: loss of function.

gnomAD v4.1: 1 of 1,614,166 alleles (0.000062%); highest among the groups gnomAD compares: Non-Finnish European, 0.000085%; no homozygotes.

Submission:

Labcorp Genetics (formerly Invitae), Labcorp
Classification: Uncertain significance for Familial cancer of breast. Last evaluated: 2025-11-19. Review status: criteria provided, single submitter. Criteria: Invitae Variant Classification Sherloc (09022015). Collection method: clinical testing. Allele origin: germline.
Comment: This sequence change replaces glycine, which is neutral and non-polar, with tryptophan, which is neutral and slightly polar, at codon 699 of the BARD1 protein (p.Gly699Trp). This variant is not present in population databases (gnomAD no frequency). This variant has not been reported in the literature in individuals affected with BARD1-related conditions. An algorithm developed to predict the effect of missense changes on protein structure and function (PolyPhen-2) suggests that this variant is likely to be disruptive. In summary, the available evidence is currently insufficient to determine the role of this variant in disease. Therefore, it has been classified as a Variant of Uncertain Significance.